The following is an entry in ClinVar:

NM_002439.5(MSH3):c.1695C>G (p.Asp565Glu)

Gene: MSH3 (mutS homolog 3; plus strand). Cytogenetic location: 5q14.1.
Variant type: single nucleotide variant.
Coding change: c.1695C>G on transcript NM_002439.5 (MANE Select); coding-DNA position 1695, C replaced by G.
Protein change: p.Asp565Glu; replaces aspartic acid 565 with glutamic acid.
Molecular consequence: missense variant.
Genome position (GRCh38, 1-based): chr5:80,744,547, C>G. VCF-style: chr5-80744547-C-G. GRCh37 (hg19) VCF-style: chr5-80040366-C-G.
Other names: c.1695C>G (NM_002439.3); short protein forms D565E.
Identifiers: ClinVar variation 851483 (VCV000851483.11), dbSNP rs1743679783, ClinGen allele CA360274710.

ClinVar aggregate classification (germline): Uncertain significance. Review status: criteria provided, multiple submitters, no conflicts (2 of 4 stars). 3 submissions from 3 submitters: Uncertain significance (3). Last evaluated 2024-09-04.

Conditions:
Hereditary cancer-predisposing syndrome. Also called: Tumor predisposition; Neoplastic Syndromes, Hereditary; Hereditary neoplastic syndrome; Hereditary Cancer Syndrome. Identifiers: Orphanet 140162, MedGen C0027672, MeSH D009386, MONDO:0015356.

Submissions (3):

Labcorp Genetics (formerly Invitae), Labcorp
Classification: Uncertain significance. Last evaluated: 2024-09-04. Review status: criteria provided, single submitter. Criteria: Invitae Variant Classification Sherloc (09022015). Collection method: clinical testing. Allele origin: germline.
Comment: This sequence change replaces aspartic acid, which is acidic and polar, with glutamic acid, which is acidic and polar, at codon 565 of the MSH3 protein (p.Asp565Glu). This variant is not present in population databases (gnomAD no frequency). This variant has not been reported in the literature in individuals affected with MSH3-related conditions. ClinVar contains an entry for this variant (Variation ID: 851483). An algorithm developed to predict the effect of missense changes on protein structure and function (PolyPhen-2) suggests that this variant is likely to be disruptive. In summary, the available evidence is currently insufficient to determine the role of this variant in disease. Therefore, it has been classified as a Variant of Uncertain Significance.

GeneDx
Classification: Uncertain significance. Last evaluated: 2023-08-02. Review status: criteria provided, single submitter. Criteria: GeneDx Variant Classification Process June 2021. Collection method: clinical testing. Allele origin: germline. Affected: yes.
Comment: Not observed at significant frequency in large population cohorts (gnomAD); In silico analysis supports that this missense variant has a deleterious effect on protein structure/function; Has not been previously published as pathogenic or benign to our knowledge

Ambry Genetics
Classification: Uncertain significance for Hereditary cancer-predisposing syndrome. Last evaluated: 2023-07-26. Review status: criteria provided, single submitter. Criteria: Ambry Variant Classification Scheme 2023. Collection method: clinical testing. Allele origin: germline.
Comment: The p.D565E variant (also known as c.1695C>G), located in coding exon 12 of the MSH3 gene, results from a C to G substitution at nucleotide position 1695. The aspartic acid at codon 565 is replaced by glutamic acid, an amino acid with highly similar properties. This amino acid position is conserved. In addition, this alteration is predicted to be deleterious by in silico analysis. Since supporting evidence is limited at this time, the clinical significance of this alteration remains unclear.